The following is an entry in ClinVar:

ClinVar aggregate classification (germline): Likely benign (1 of 4 stars; one submission).

Allele frequency attached by ClinVar (database versions not stated): gnomAD exomes below 0.00001 and 0.00001; TOPMed below 0.00001; ExAC 0.00001.
gnomAD v4.1: 6 of 1,612,974 alleles (0.00037%); highest among the groups gnomAD compares: Non-Finnish European, 0.00051%; no homozygotes.

Submission:

GeneDx
Classification: Likely benign. Last evaluated: 2016-02-17. Review status: criteria provided, single submitter. Criteria: GeneDx Variant Classification (06012015). Collection method: clinical testing. Allele origin: germline. Affected: yes.
Comment: This variant is considered likely benign or benign based on one or more of the following criteria: it is a conservative change, it occurs at a poorly conserved position in the protein, it is predicted to be benign by multiple in silico algorithms, and/or has population frequency not consistent with disease.

NM_004589.4(SCO1):c.672G>A (p.Leu224=)

Gene: SCO1 (synthesis of cytochrome C oxidase 1; minus strand). Cytogenetic location: 17p13.1.
Variant type: single nucleotide variant.
Coding change: c.672G>A on transcript NM_004589.4 (MANE Select); coding-DNA position 672, G replaced by A.
Protein change: p.Leu224=; no amino-acid change (leucine 224 retained).
Molecular consequence: synonymous variant.
Genome position (GRCh38, 1-based): chr17:10,686,826, C>T on the plus strand (G>A on the coding strand, the complement: SCO1 is on the minus strand). VCF-style: chr17-10686826-C-T. GRCh37 (hg19) VCF-style: chr17-10590143-C-T.
Identifiers: ClinVar variation 383039 (VCV000383039.1), dbSNP rs750677212, ClinGen allele CA8393504.